The following is an entry in ClinVar:

NM_014264.5(PLK4):c.2410G>A (p.Gly804Arg)

Gene: PLK4 (polo like kinase 4; plus strand). Cytogenetic location: 4q28.1.
Variant type: single nucleotide variant.
Coding change: c.2410G>A on transcript NM_014264.5 (MANE Select); coding-DNA position 2410, G replaced by A.
Protein change: p.Gly804Arg; replaces glycine 804 with arginine.
Molecular consequence: missense variant.
Genome position (GRCh38, 1-based): chr4:127,893,600, G>A. VCF-style: chr4-127893600-G-A. GRCh37 (hg19) VCF-style: chr4-128814755-G-A.
Other names: c.2314G>A, p.Gly772Arg (NM_001190799.2); c.2287G>A, p.Gly763Arg (NM_001190801.2); short protein forms G772R, G804R, G763R.
Identifiers: ClinVar variation 1507435 (VCV001507435.8), dbSNP rs2148823288, ClinGen allele CA358162207.

ClinVar aggregate classification (germline): Uncertain significance (1 of 4 stars; one submission).

Submission:

Labcorp Genetics (formerly Invitae), Labcorp
Classification: Uncertain significance. Last evaluated: 2023-11-28. Review status: criteria provided, single submitter. Criteria: Invitae Variant Classification Sherloc (09022015). Collection method: clinical testing. Allele origin: germline.
Comment: This sequence change replaces glycine, which is neutral and non-polar, with arginine, which is basic and polar, at codon 804 of the PLK4 protein (p.Gly804Arg). This variant is not present in population databases (gnomAD no frequency). This variant has not been reported in the literature in individuals affected with PLK4-related conditions. ClinVar contains an entry for this variant (Variation ID: 1507435). An algorithm developed to predict the effect of missense changes on protein structure and function (PolyPhen-2) suggests that this variant is likely to be disruptive. In summary, the available evidence is currently insufficient to determine the role of this variant in disease. Therefore, it has been classified as a Variant of Uncertain Significance.